The following is an entry in ClinVar:

NM_001382347.1(MYO5A):c.5409+4G>A

Gene: MYO5A (myosin VA; minus strand). Cytogenetic location: 15q21.2.
Variant type: single nucleotide variant.
Coding change: c.5409+4G>A on transcript NM_001382347.1 (MANE Select); 4 bases into the intron after coding-DNA position 5409, G replaced by A.
Molecular consequence: intron variant.
Genome position (GRCh38, 1-based): chr15:52,317,044, C>T on the plus strand (G>A on the coding strand, the complement: MYO5A is on the minus strand). VCF-style: chr15-52317044-C-T. GRCh37 (hg19) VCF-style: chr15-52609241-C-T.
Other names: c.5334+4G>A (NM_000259.3); c.5253+4G>A (NM_001142495.2); c.5406+4G>A (NM_001382349.1); c.5481+4G>A (NM_001382348.1).
Identifiers: ClinVar variation 211572 (VCV000211572.48), dbSNP rs72734962, ClinGen allele CA206272.

ClinVar aggregate classification (germline): Benign/Likely benign. Review status: criteria provided, multiple submitters, no conflicts (2 of 4 stars). 6 submissions from 6 submitters: Benign (4); Likely benign (2). Last evaluated 2026-09-01.

Conditions:
Inborn genetic diseases. Identifiers: MedGen C0950123, MeSH D030342.
Griscelli syndrome type 1 (GS1). Also called: GRISCELLI SYNDROME WITH NEUROLOGIC IMPAIRMENT; GRISCELLI SYNDROME, CUTANEOUS AND NEUROLOGIC TYPE; PARTIAL ALBINISM AND PRIMARY NEUROLOGIC DISEASE WITHOUT HEMOPHAGOCYTIC SYNDROME. Identifiers: Orphanet 381, Orphanet 79476, MedGen C1859194, MONDO:0008962, OMIM 214450.

Allele frequency attached by ClinVar (database versions not stated): 1000 Genomes Project 0.00260; 1000 Genomes Project 30x 0.00281; gnomAD 0.00636 and 0.00647; TOPMed 0.00674; gnomAD exomes 0.00678 and 0.00932; ExAC 0.00716; ESP Exome Variant Server 0.00865.
gnomAD v4.1: 14,601 of 1,613,148 alleles (0.91%); highest among the groups gnomAD compares: Non-Finnish European, 1.1%; 97 homozygotes.

Submissions (6):

CeGaT Center for Human Genetics Tuebingen
Classification: Benign. Last evaluated: 2026-09-01. Review status: criteria provided, single submitter. Criteria: CeGaT Center For Human Genetics Tuebingen Variant Classification Criteria Version 2. Collection method: clinical testing. Allele origin: germline. Affected: yes. Observed: 37 variant alleles.
Comment: MYO5A: BP4, BS1, BS2

Labcorp Genetics (formerly Invitae), Labcorp
Classification: Benign. Last evaluated: 2025-12-09. Review status: criteria provided, single submitter. Criteria: Invitae Variant Classification Sherloc (09022015). Collection method: clinical testing. Allele origin: germline.

Blueprint Genetics
Classification: Likely benign. Last evaluated: 2024-11-27. Review status: criteria provided, single submitter. Criteria: ACMG Guidelines, 2015. Collection method: clinical testing. Allele origin: germline.

Ambry Genetics
Classification: Benign for Inborn genetic diseases. Last evaluated: 2022-08-04. Review status: criteria provided, single submitter. Criteria: Ambry Variant Classification Scheme 2023. Collection method: clinical testing. Allele origin: germline.

Center for Genomics, Ann and Robert H. Lurie Children's Hospital of Chicago
Classification: Likely benign for Griscelli syndrome type 1. Last evaluated: 2022-07-25. Review status: criteria provided, single submitter. Criteria: ACMG Guidelines, 2015. Collection method: clinical testing. Allele origin: germline.
Comment: This variant has not been reported in the literature but is present in the Genome Aggregation Database (Highest reported MAF 1% (727/68016) including 11 homozygotes. This variant is present in ClinVar, with multiple labs classifying this variant as Benign (Variation ID:211572). Evolutionary conservation and computational predictive tools for this variant are limited or unavailable. This variant is an intronic variant with no predicted change in the amino acid sequence but may have an unknown effect on splicing. Splice prediction tools do not suggest that this variant may affect splicing. However, further studies are needed to understand its impact. In summary, data on this variant suggests that this variant does not cause disease but requires further evidence. Therefore, this variant is classified as likely benign.

Genetic Services Laboratory, University of Chicago
Classification: Benign. Last evaluated: 2015-12-22. Review status: criteria provided, single submitter. Criteria: ACMG Guidelines, 2015. Collection method: clinical testing. Allele origin: germline. Affected: no.